The following is an entry in ClinVar:

NM_001080414.4(CCDC88C):c.4327G>A (p.Ala1443Thr)

Gene: CCDC88C (coiled-coil and HOOK domain protein 88C; minus strand). Cytogenetic location: 14q32.11.
Variant type: single nucleotide variant.
Coding change: c.4327G>A on transcript NM_001080414.4 (MANE Select); coding-DNA position 4327, G replaced by A.
Protein change: p.Ala1443Thr; replaces alanine 1443 with threonine.
Molecular consequence: missense variant.
Genome position (GRCh38, 1-based): chr14:91,289,219, C>T on the plus strand (G>A on the coding strand, the complement: CCDC88C is on the minus strand). VCF-style: chr14-91289219-C-T. GRCh37 (hg19) VCF-style: chr14-91755563-C-T.
Other names: short protein forms A1443T.
Identifiers: ClinVar variation 777875 (VCV000777875.55), dbSNP rs189215037, ClinGen allele CA7309049.

ClinVar aggregate classification (germline): Benign/Likely benign. Review status: criteria provided, multiple submitters, no conflicts (2 of 4 stars). 6 submissions from 6 submitters: Benign (1); Likely benign (5). Last evaluated 2026-01-28.

Allele frequency attached by ClinVar (database versions not stated): 1000 Genomes Project 30x 0.00109; 1000 Genomes Project 0.00120; TOPMed 0.00127; gnomAD 0.00133 and 0.00142; ESP Exome Variant Server 0.00158; ExAC 0.00182; gnomAD exomes 0.00203.
gnomAD v4.1: 2,525 of 1,614,012 alleles (0.16%); highest among the groups gnomAD compares: Middle Eastern, 3.2%; 20 homozygotes.

Submissions (6):

Labcorp Genetics (formerly Invitae), Labcorp
Classification: Likely benign. Last evaluated: 2026-01-28. Review status: criteria provided, single submitter. Criteria: Invitae Variant Classification Sherloc (09022015). Collection method: clinical testing. Allele origin: germline.

Blueprint Genetics
Classification: Likely benign. Last evaluated: 2024-11-27. Review status: criteria provided, single submitter. Criteria: ACMG Guidelines, 2015. Collection method: clinical testing. Allele origin: germline.

CeGaT Center for Human Genetics Tuebingen
Classification: Likely benign. Last evaluated: 2022-06-01. Review status: criteria provided, single submitter. Criteria: CeGaT Center For Human Genetics Tuebingen Variant Classification Criteria Version 2. Collection method: clinical testing. Allele origin: germline. Affected: yes. Observed: 3 variant alleles.
Comment: CCDC88C: BP4, BS1:Supporting

Dubai Health Genomic Medicine Center, Dubai Health
Classification: Benign. Last evaluated: 2020-03-23. Review status: criteria provided, single submitter. Criteria: ACMG Guidelines, 2015. Collection method: clinical testing. Allele origin: germline. Affected: yes.

GeneDx
Classification: Likely benign. Last evaluated: 2015-03-03. Review status: criteria provided, single submitter. Criteria: GeneDx Variant Classification Process June 2021. Collection method: clinical testing. Allele origin: germline. Affected: yes.

Breakthrough Genomics
Classification: Likely benign. Review status: criteria provided, single submitter. Criteria: ACMG Guidelines, 2015. Collection method: not provided. Allele origin: germline. Inheritance: Autosomal recessive inheritance. Affected: yes.